The following is an entry in ClinVar:

NM_002439.5(MSH3):c.1814C>G (p.Ser605Cys)

Gene: MSH3 (mutS homolog 3; plus strand). Cytogenetic location: 5q14.1.
Variant type: single nucleotide variant.
Coding change: c.1814C>G on transcript NM_002439.5 (MANE Select); coding-DNA position 1814, C replaced by G.
Protein change: p.Ser605Cys; replaces serine 605 with cysteine.
Molecular consequence: missense variant.
Genome position (GRCh38, 1-based): chr5:80,761,596, C>G. VCF-style: chr5-80761596-C-G. GRCh37 (hg19) VCF-style: chr5-80057415-C-G.
Other names: c.1814C>G (NM_002439.3); short protein forms S605C.
Identifiers: ClinVar variation 661646 (VCV000661646.10), dbSNP rs1406056254, ClinGen allele CA360276569.

ClinVar aggregate classification (germline): Uncertain significance. Review status: criteria provided, multiple submitters, no conflicts (2 of 4 stars). 3 submissions from 3 submitters: Uncertain significance (3). Last evaluated 2025-10-29.

Conditions:
Hereditary cancer-predisposing syndrome. Also called: Neoplastic Syndromes, Hereditary; Tumor predisposition; Hereditary neoplastic syndrome; Hereditary Cancer Syndrome. Identifiers: Orphanet 140162, MedGen C0027672, MeSH D009386, MONDO:0015356.
Endometrial carcinoma. Also called: Endometrial carcinoma, somatic. Identifiers: MedGen C0476089, MONDO:0002447, OMIM 608089, HP:0012114.

Allele frequency attached by ClinVar (database versions not stated): gnomAD exomes below 0.00001.
gnomAD v4.1: 1 of 1,614,030 alleles (0.000062%); highest among the groups gnomAD compares: Non-Finnish European, 0.000085%; no homozygotes.

Submissions (3):

Labcorp Genetics (formerly Invitae), Labcorp
Classification: Uncertain significance. Last evaluated: 2025-10-29. Review status: criteria provided, single submitter. Criteria: Invitae Variant Classification Sherloc (09022015). Collection method: clinical testing. Allele origin: germline.
Comment: This sequence change replaces serine, which is neutral and polar, with cysteine, which is neutral and slightly polar, at codon 605 of the MSH3 protein (p.Ser605Cys). This variant is not present in population databases (gnomAD no frequency). This variant has not been reported in the literature in individuals affected with MSH3-related conditions. ClinVar contains an entry for this variant (Variation ID: 661646). An algorithm developed to predict the effect of missense changes on protein structure and function (PolyPhen-2) suggests that this variant is likely to be tolerated. In summary, the available evidence is currently insufficient to determine the role of this variant in disease. Therefore, it has been classified as a Variant of Uncertain Significance.

Ambry Genetics
Classification: Uncertain significance for Hereditary cancer-predisposing syndrome. Last evaluated: 2024-06-20. Review status: criteria provided, single submitter. Criteria: Ambry Variant Classification Scheme 2023. Collection method: clinical testing. Allele origin: germline.
Comment: The p.S605C variant (also known as c.1814C>G), located in coding exon 13 of the MSH3 gene, results from a C to G substitution at nucleotide position 1814. The serine at codon 605 is replaced by cysteine, an amino acid with dissimilar properties. This amino acid position is conserved. In addition, the in silico prediction for this alteration is inconclusive. Based on the available evidence, the clinical significance of this variant remains unclear.

Baylor Genetics
Classification: Uncertain significance for Endometrial carcinoma. Last evaluated: 2024-03-29. Review status: criteria provided, single submitter. Criteria: ACMG Guidelines, 2015. Collection method: clinical testing. Allele origin: unknown.